The following is an entry in ClinVar:

ClinVar aggregate classification (germline): Uncertain significance (1 of 4 stars; one submission).

Submission:

Women's Health and Genetics/Laboratory Corporation of America, LabCorp
Classification: Uncertain significance. Last evaluated: 2024-08-21. Review status: criteria provided, single submitter. Criteria: LabCorp Variant Classification Summary - May 2015. Collection method: clinical testing. Allele origin: germline.
Comment: Variant summary: SOX5 c.2011_2014dupGCCA (p.Thr672SerfsX30) results in a premature termination codon in the last exon of the encoded protein, however, nonsense mediated decay is not expected to occur. The variant was absent in 249470 control chromosomes. The available data on variant occurrences in the general population are insufficient to allow any conclusion about variant significance. To our knowledge, no occurrence of c.2011_2014dupGCCA in individuals affected with Lamb-Shaffer Syndrome and no experimental evidence demonstrating its impact on protein function have been reported. No submitters have cited clinical-significance assessments for this variant to ClinVar. Based on the evidence outlined above, the variant was classified as uncertain significance.

NM_006940.6(SOX5):c.2011_2014dup (p.Thr672fs)

Gene: SOX5 (SRY-box transcription factor 5; minus strand). Cytogenetic location: 12p12.1.
Variant type: Duplication.
Coding change: c.2011_2014dup on transcript NM_006940.6 (MANE Select); coding-DNA positions 2011 to 2014, 4 bases duplicated (GCCA; older notation c.2011_2014dupGCCA).
Protein change: p.Thr672fs; shifts the reading frame from threonine 672.
Molecular consequence: frameshift variant.
Genome position (GRCh38, 1-based): chr12:23,534,497-23,534,500, TGGC duplicated on the plus strand (GCCA on the coding strand, the reverse complement: SOX5 is on the minus strand). VCF-style (leftmost placement, unchanged base first): chr12-23534496-G-GTGGC. GRCh37 (hg19) VCF-style: chr12-23687430-G-GTGGC.
Other names: c.1648_1651dup, p.Thr551fs (NM_001261414.3); c.1981_1984dup, p.Thr662fs (NM_001261415.3); c.1906_1909dup, p.Thr637fs (NM_001330785.2); c.1972_1975dup, p.Thr659fs (NM_152989.5); c.853_856dup, p.Thr286fs (NM_178010.4); c.2011_2014dupGCCA (NM_006940.6); short protein forms T286fs, T551fs, T637fs, T659fs, T662fs, T672fs.
Identifiers: ClinVar variation 3366700 (VCV003366700.1).
Genomic context (GRCh38, chr12:23,534,496, plus strand): 5'-GGCAGGTGAGGGGAGGGCATCCCAGCCATGGCGATGGCTCCAGGGTACACAACACCAGCA[G>GTGGC]TGGCAATGGGGATCTGTGCTTGTTGCCTGTCAAGAAAGGAATTTCCAAAAAGACATCGTG-3'